The following is an entry in ClinVar:

NM_007294.4(BRCA1):c.5564_5572delinsAACCCAGT (p.Ile1855fs)

Gene: BRCA1 (BRCA1 DNA repair associated; minus strand). Cytogenetic location: 17q21.31.
Variant type: Indel.
Coding change: c.5564_5572delinsAACCCAGT on transcript NM_007294.4 (MANE Select); coding-DNA positions 5564 to 5572, TACCCCAGA replaced by AACCCAGT.
Protein change: p.Ile1855fs; shifts the reading frame from isoleucine 1855.
Molecular consequence: frameshift variant. On other transcripts: 3 prime UTR variant (17).
Genome position (GRCh38, 1-based): chr17:43,045,698-43,045,706, TCTGGGGTA replaced by ACTGGGTT on the plus strand (TACCCCAGA replaced by AACCCAGT on the coding strand, the reverse complement: BRCA1 is on the minus strand). VCF-style: chr17-43045698-TCTGGGGTA-ACTGGGTT. GRCh37 (hg19) VCF-style: chr17-41197715-TCTGGGGTA-ACTGGGTT.
Other names: c.5441_5449delinsAACCCAGT, p.Ile1814fs (NM_001407669.1, NM_001407664.1, NM_001407665.1 and 3 more transcripts); c.5438_5446delinsAACCCAGT, p.Ile1813fs (NM_001407670.1, NM_001407671.1, NM_001407672.1 and 8 more transcripts); c.5435_5443delinsAACCCAGT, p.Ile1812fs (NM_001407681.1, NM_001407682.1, NM_001407683.1 and 6 more transcripts); c.5432_5440delinsAACCCAGT, p.Ile1811fs (NM_001407690.1, NM_001407691.1); c.5423_5431delinsAACCCAGT, p.Ile1808fs (NM_001407692.1, NM_001407694.1, NM_001407695.1 and 12 more transcripts); c.5420_5428delinsAACCCAGT, p.Ile1807fs (NM_001407732.1, NM_001407733.1, NM_001407734.1 and 18 more transcripts); c.5417_5425delinsAACCCAGT, p.Ile1806fs (NM_001407838.1, NM_001407839.1, NM_001407841.1 and 12 more transcripts); c.*78_*86delinsAACCCAGT (NM_001407854.1, NM_001407858.1, NM_001407859.1 and 14 more transcripts); and 75 more; short protein forms I1836fs, I1850fs, I1851fs, I1852fs, I1853fs, I1854fs, I1855fs, I1875fs.
Identifiers: ClinVar variation 4533112 (VCV004533112.1).

ClinVar aggregate classification (germline): Uncertain significance (1 of 4 stars; one submission).

Submission:

Quest Diagnostics Nichols Institute San Juan Capistrano
Classification: Uncertain significance. Last evaluated: 2025-02-07. Review status: criteria provided, single submitter. Criteria: Quest Diagnostics criteria. Collection method: clinical testing. Allele origin: unknown.
Comment: The BRCA1 c.5564_5572delinsAACCCAGT (p.Ile1855Lysfs*67) variant is located in the terminal end of the last exon of BRCA1 and disrupts the translation stop codon of the BRCA1 mRNA and is predicted to cause BRCA1 protein elongation. This variant has not been reported in individuals with BRCA1-related conditions in the published literature. This variant has not been reported in large, multi-ethnic general populations (Genome Aggregation Database). Based on the available information, we are unable to determine the clinical significance of this variant.